The following is an entry in ClinVar:

NM_001394998.1(TANC2):c.1067A>G (p.Tyr356Cys)

Gene: TANC2 (tetratricopeptide repeat, ankyrin repeat and coiled-coil containing 2; plus strand). Cytogenetic location: 17q23.3.
Variant type: single nucleotide variant.
Coding change: c.1067A>G on transcript NM_001394998.1 (MANE Select); coding-DNA position 1067, A replaced by G.
Protein change: p.Tyr356Cys; replaces tyrosine 356 with cysteine.
Molecular consequence: missense variant.
Genome position (GRCh38, 1-based): chr17:63,267,781, A>G. VCF-style: chr17-63267781-A-G. GRCh37 (hg19) VCF-style: chr17-61345142-A-G.
Other names: c.845A>G, p.Tyr282Cys (NM_001411076.1, NM_025185.4); short protein forms Y282C, Y356C.
Identifiers: ClinVar variation 4282046 (VCV004282046.1).
Genomic context (GRCh38, chr17:63,267,781, plus strand): 5'-TCTAACTAAACTTTTCTTTCTTGTCAGCCACCAGCTCTGCCCACTTGGAAGACCTTGCTT[A>G]CCTGGATGAGCAGAGACATACACCTTTGAGAACTTCTCTACGAATGCCAAGACAGAGCAT-3'
Protein context (NP_001381927.1, residues 346-366): TSSAHLEDLA[Tyr356Cys]LDEQRHTPLR

ClinVar aggregate classification (germline): Uncertain significance (1 of 4 stars; one submission).

gnomAD v4.1: 2 of 1,612,924 alleles (0.00012%); highest among the groups gnomAD compares: Admixed American, 0.0017%; no homozygotes.

Submission:

GeneDx
Classification: Uncertain significance. Last evaluated: 2025-04-09. Review status: criteria provided, single submitter. Criteria: GeneDx Variant Classification Process June 2021. Collection method: clinical testing. Allele origin: germline. Affected: yes.
Comment: In silico analysis supports that this missense variant has a deleterious effect on protein structure/function; Has not been previously published as pathogenic or benign to our knowledge